The following is an entry in ClinVar:

NM_018344.6(SLC29A3):c.10G>A (p.Val4Ile)

Gene: SLC29A3 (solute carrier family 29 member 3; plus strand). Cytogenetic location: 10q22.1.
Variant type: single nucleotide variant.
Coding change: c.10G>A on transcript NM_018344.6 (MANE Select); coding-DNA position 10, G replaced by A.
Protein change: p.Val4Ile; replaces valine 4 with isoleucine.
Molecular consequence: missense variant. On other transcripts: 5 prime UTR variant (1), non-coding transcript variant (2).
Genome position (GRCh38, 1-based): chr10:71,322,764, G>A. VCF-style: chr10-71322764-G-A. GRCh37 (hg19) VCF-style: chr10-73082521-G-A.
Other names: c.10G>A, p.Val4Ile (NM_001174098.2); c.-225G>A (NM_001363518.2); short protein forms V4I.
Identifiers: ClinVar variation 1357260 (VCV001357260.9), dbSNP rs202128882, ClinGen allele CA209389787.

ClinVar aggregate classification (germline): Conflicting classifications of pathogenicity. Review status: criteria provided, conflicting classifications (1 of 4 stars). 2 submissions from 2 submitters: Uncertain significance (1); Likely benign (1). Last evaluated 2022-09-21.

Conditions:
H syndrome. Also called: FAISALABAD HISTIOCYTOSIS; HISTIOCYTOSIS AND LYMPHADENOPATHY WITH OR WITHOUT CUTANEOUS, CARDIAC, AND/OR ENDOCRINE FEATURES, JOINT CONTRACTURES, AND/OR DEAFNESS; HYPERPIGMENTATION, CUTANEOUS, WITH HYPERTRICHOSIS, HEPATOSPLENOMEGALY, HEART ANOMALIES, AND HYPOGONADISM WITH OR WITHOUT HEARING LOSS; PIGMENTED HYPERTRICHOSIS WITH INSULIN-DEPENDENT DIABETES MELLITUS; ROSAI-DORFMAN DISEASE, FAMILIAL; SINUS HISTIOCYTOSIS AND MASSIVE LYMPHADENOPATHY. Identifiers: Orphanet 168569, MedGen C1864445, MONDO:0011273, OMIM 602782.

Allele frequency attached by ClinVar (database versions not stated): gnomAD exomes below 0.00001; gnomAD 0.00001 and 0.00002; TOPMed 0.00002; 1000 Genomes Project 30x 0.00016; 1000 Genomes Project 0.00020.
gnomAD v4.1: 8 of 1,614,096 alleles (0.0005%); highest among the groups gnomAD compares: African/African-American, 0.0093%; no homozygotes.

Submissions (2):

Blueprint Genetics
Classification: Likely benign. Last evaluated: 2022-09-21. Review status: criteria provided, single submitter. Criteria: ACMG Guidelines, 2015. Collection method: clinical testing. Allele origin: germline.

Labcorp Genetics (formerly Invitae), Labcorp
Classification: Uncertain significance for H syndrome. Last evaluated: 2020-12-11. Review status: criteria provided, single submitter. Criteria: Invitae Variant Classification Sherloc (09022015). Collection method: clinical testing. Allele origin: germline.
Comment: In summary, the available evidence is currently insufficient to determine the role of this variant in disease. Therefore, it has been classified as a Variant of Uncertain Significance. Algorithms developed to predict the effect of missense changes on protein structure and function are either unavailable or do not agree on the potential impact of this missense change (SIFT: "Deleterious"; PolyPhen-2: "Benign"; Align-GVGD: "Class C0"). This variant has not been reported in the literature in individuals with SLC29A3-related conditions. This variant is not present in population databases (ExAC no frequency). This sequence change replaces valine with isoleucine at codon 4 of the SLC29A3 protein (p.Val4Ile). The valine residue is weakly conserved and there is a small physicochemical difference between valine and isoleucine.